The following is an entry in ClinVar:

NM_207361.6(FREM2):c.6382C>T (p.Pro2128Ser)

Gene: FREM2 (FRAS1 related extracellular matrix 2; plus strand). Cytogenetic location: 13q13.3.
Variant type: single nucleotide variant.
Coding change: c.6382C>T on transcript NM_207361.6 (MANE Select); coding-DNA position 6382, C replaced by T.
Protein change: p.Pro2128Ser; replaces proline 2128 with serine.
Molecular consequence: missense variant.
Genome position (GRCh38, 1-based): chr13:38,850,040, C>T. VCF-style: chr13-38850040-C-T. GRCh37 (hg19) VCF-style: chr13-39424177-C-T.
Other names: short protein forms P2128S.
Identifiers: ClinVar variation 1349996 (VCV001349996.8), dbSNP rs774766906, ClinGen allele CA6955546.

ClinVar aggregate classification (germline): Uncertain significance (1 of 4 stars; one submission).

Allele frequency attached by ClinVar (database versions not stated): gnomAD exomes 0.00001; ExAC 0.00002.
gnomAD v4.1: 9 of 1,612,986 alleles (0.00056%); highest among the groups gnomAD compares: South Asian, 0.0011%; no homozygotes.

Submission:

Labcorp Genetics (formerly Invitae), Labcorp
Classification: Uncertain significance. Last evaluated: 2021-04-29. Review status: criteria provided, single submitter. Criteria: Invitae Variant Classification Sherloc (09022015). Collection method: clinical testing. Allele origin: germline.
Comment: In summary, the available evidence is currently insufficient to determine the role of this variant in disease. Therefore, it has been classified as a Variant of Uncertain Significance. This variant has not been reported in the literature in individuals with FREM2-related conditions. This variant is present in population databases (rs774766906, ExAC 0.003%). This sequence change replaces proline with serine at codon 2128 of the FREM2 protein (p.Pro2128Ser). The proline residue is highly conserved and there is a moderate physicochemical difference between proline and serine. Algorithms developed to predict the effect of missense changes on protein structure and function are either unavailable or do not agree on the potential impact of this missense change (SIFT: "Deleterious"; PolyPhen-2: "Probably Damaging"; Align-GVGD: "Class C0").